The following is an entry in ClinVar:

ClinVar aggregate classification (germline): Uncertain significance (1 of 4 stars; one submission).

Allele frequency attached by ClinVar (database versions not stated): gnomAD exomes below 0.00001 and 0.00001; ExAC 0.00002.
gnomAD v4.1: 4 of 1,605,048 alleles (0.00025%); highest among the groups gnomAD compares: East Asian, 0.0022%; no homozygotes.

Submission:

GeneDx
Classification: Uncertain significance. Last evaluated: 2021-08-24. Review status: criteria provided, single submitter. Criteria: GeneDx Variant Classification Process June 2021. Collection method: clinical testing. Allele origin: germline. Affected: yes.
Comment: Has not been previously published as pathogenic or benign to our knowledge; Not observed at significant frequency in large population cohorts (Lek et al., 2016); In silico analysis supports that this missense variant does not alter protein structure/function

NM_001365276.2(TNXB):c.2362G>A (p.Glu788Lys)

Gene: TNXB (tenascin XB; minus strand). Cytogenetic location: 6p21.33.
Variant type: single nucleotide variant.
Coding change: c.2362G>A on transcript NM_001365276.2 (MANE Select); coding-DNA position 2362, G replaced by A.
Protein change: p.Glu788Lys; replaces glutamic acid 788 with lysine.
Molecular consequence: missense variant.
Genome position (GRCh38, 1-based): chr6:32,089,376, C>T on the plus strand (G>A on the coding strand, the complement: TNXB is on the minus strand). VCF-style: chr6-32089376-C-T. GRCh37 (hg19) VCF-style: chr6-32057153-C-T.
Other names: c.2362G>A, p.Glu788Lys (NM_019105.8); short protein forms E788K.
Identifiers: ClinVar variation 1253801 (VCV001253801.2), dbSNP rs761344131, ClinGen allele CA3735498.
Genomic context (GRCh38, chr6:32,089,376, plus strand): 5'-TCTGGTCATAGGCTGAGGCAGAGCTTGGAACCCGTGCTGTGAATGGGGGGCTCGCCCCCT[C>T]TGTCTGTGAGAGAGAGCACCAGGTGGCTCAGGGGCTGGCACTCTTGCCTCTGCTGCTCAA-3'
Protein context (NP_001352205.1, residues 778-798): AYEIQFIPTT[Glu788Lys]GASPPFTARV